The following is an entry in ClinVar:

NM_000059.4(BRCA2):c.1281C>A (p.Asp427Glu)

Gene: BRCA2 (BRCA2 DNA repair associated; plus strand). Cytogenetic location: 13q13.1.
Variant type: single nucleotide variant.
Coding change: c.1281C>A on transcript NM_000059.4 (MANE Select); coding-DNA position 1281, C replaced by A.
Protein change: p.Asp427Glu; replaces aspartic acid 427 with glutamic acid.
Molecular consequence: missense variant.
Genome position (GRCh38, 1-based): chr13:32,332,759, C>A. VCF-style: chr13-32332759-C-A. GRCh37 (hg19) VCF-style: chr13-32906896-C-A.
Other names: short protein forms D427E.
Identifiers: ClinVar variation 649004 (VCV000649004.10), dbSNP rs772430226, ClinGen allele CA387762433.
Genomic context (GRCh38, chr13:32,332,759, plus strand): 5'-GATGGAGAAAATACCCCTATTGCATATTTCTTCATGTGACCAAAATATTTCAGAAAAAGA[C>A]CTATTAGACACAGAGAACAAAAGAAAGAAAGATTTTCTTACTTCAGAGAATTCTTTGCCA-3'
Protein context (NP_000050.3, residues 417-437): SSCDQNISEK[Asp427Glu]LLDTENKRKK

ClinVar aggregate classification (germline): Conflicting classifications of pathogenicity. Review status: criteria provided, conflicting classifications (1 of 4 stars). 2 submissions from 2 submitters: Uncertain significance (1); Likely benign (1). Last evaluated 2025-11-18.

Conditions:
Hereditary breast ovarian cancer syndrome. Also called: Breast and ovarian cancer; BRCA1- and BRCA2-Associated Hereditary Breast and Ovarian Cancer; Hereditary breast and ovarian cancer; Hereditary breast and ovarian cancer syndrome (HBOC); Hereditary breast and/or ovarian cancer syndrome; Hereditary breast and ovarian cancer syndrome. Identifiers: Orphanet 145, MedGen C0677776, MeSH D061325, MONDO:0003582. Disease mechanism: loss of function.
Hereditary cancer-predisposing syndrome. Also called: Neoplastic Syndromes, Hereditary; Tumor predisposition; Hereditary Cancer Syndrome; Hereditary neoplastic syndrome. Identifiers: Orphanet 140162, MedGen C0027672, MeSH D009386, MONDO:0015356.

gnomAD v4.1: 2 of 1,608,124 alleles (0.00012%); highest among the groups gnomAD compares: Non-Finnish European, 0.00017%; no homozygotes.

Submissions (2):

Labcorp Genetics (formerly Invitae), Labcorp
Classification: Uncertain significance for Hereditary breast ovarian cancer syndrome. Last evaluated: 2025-11-18. Review status: criteria provided, single submitter. Criteria: Invitae Variant Classification Sherloc (09022015). Collection method: clinical testing. Allele origin: germline.
Comment: This sequence change replaces aspartic acid, which is acidic and polar, with glutamic acid, which is acidic and polar, at codon 427 of the BRCA2 protein (p.Asp427Glu). This variant is not present in population databases (gnomAD no frequency). This missense change has been observed in individual(s) with a personal and/or family history of breast and/or ovarian cancer (PMID: 21120943). ClinVar contains an entry for this variant (Variation ID: 649004). Invitae Evidence Modeling of protein sequence and biophysical properties (such as structural, functional, and spatial information, amino acid conservation, physicochemical variation, residue mobility, and thermodynamic stability) indicates that this missense variant is not expected to disrupt BRCA2 protein function with a negative predictive value of 95%. In summary, the available evidence is currently insufficient to determine the role of this variant in disease. Therefore, it has been classified as a Variant of Uncertain Significance.

University of Washington Department of Laboratory Medicine, University of Washington
Classification: Likely benign for Hereditary cancer-predisposing syndrome. Last evaluated: 2023-03-23. Review status: criteria provided, single submitter. Criteria: Dines et al. (Genet Med. 2020). Collection method: curation. Allele origin: germline.
Comment: Missense variant in a coldspot region where missense variants are very unlikely to be pathogenic (PMID:31911673).

BRCA2 exon 10 coldspot. Reclassification based on statistical prior probability.

Literature cited by the submitters: PubMed 21120943 (cited by Labcorp Genetics (formerly Invitae), Labcorp).